The following is an entry in ClinVar:

NM_000751.3(CHRND):c.*52A>G

Gene: CHRND (cholinergic receptor nicotinic delta subunit; plus strand). Cytogenetic location: 2q37.1.
Variant type: single nucleotide variant.
Coding change: c.*52A>G on transcript NM_000751.3 (MANE Select); 52 bases downstream of the stop codon, A replaced by G.
Molecular consequence: 3 prime UTR variant.
Genome position (GRCh38, 1-based): chr2:232,535,364, A>G. VCF-style: chr2-232535364-A-G. GRCh37 (hg19) VCF-style: chr2-233400074-A-G.
Other names: c.*52A>G (NM_001256657.2, NM_001311195.2, NM_001311196.2).
Identifiers: ClinVar variation 334975 (VCV000334975.9), dbSNP rs2767, ClinGen allele CA2168396.

ClinVar aggregate classification (germline): Benign/Likely benign. Review status: criteria provided, multiple submitters, no conflicts (2 of 4 stars). 4 submissions from 3 submitters: Benign (3); Likely benign (1). Last evaluated 2018-06-28.

Conditions:
Lethal multiple pterygium syndrome (LMPS). Identifiers: Orphanet 33108, MedGen C1854678, MONDO:0009668, OMIM 253290.
Congenital myasthenic syndrome (CMS). Also called: Congenital Myasthenic Syndromes. Identifiers: Orphanet 590, MedGen C0751882, MeSH D020294, MONDO:0018940.

Allele frequency attached by ClinVar (database versions not stated): ESP Exome Variant Server 0.33608; gnomAD 0.34088; TOPMed 0.37171; gnomAD exomes 0.41651 and 0.37448; 1000 Genomes Project 30x 0.41099; ExAC 0.41187; 1000 Genomes Project 0.41593.
gnomAD v4.1: 596,037 of 1,597,770 alleles (37%); highest among the groups gnomAD compares: Admixed American, 59%; 115,240 homozygotes.

Submissions (4):

GeneDx
Classification: Benign. Last evaluated: 2018-06-28. Review status: criteria provided, single submitter. Criteria: GeneDx Variant Classification Process June 2021. Collection method: clinical testing. Allele origin: germline. Affected: yes.

Illumina Laboratory Services, Illumina
Classification: Benign for Lethal multiple pterygium syndrome. Last evaluated: 2018-01-13. Review status: criteria provided, single submitter. Criteria: ICSL Variant Classification Criteria 13 December 2019. Collection method: clinical testing. Allele origin: germline.
Comment: This variant was observed in the ICSL laboratory as part of a predisposition screen in an ostensibly healthy population. It had not been previously curated by ICSL or reported in the Human Gene Mutation Database (HGMD: prior to June 1st, 2018), and was therefore a candidate for classification through an automated scoring system. Utilizing variant allele frequency, disease prevalence and penetrance estimates, and inheritance mode, an automated score was calculated to assess if this variant is too frequent to cause the disease. Based on the score and internal cut-off values, a variant classified as benign is not then subjected to further curation. The score for this variant resulted in a classification of benign for this disease.

Illumina Laboratory Services, Illumina
Classification: Benign for Congenital myasthenic syndrome. Last evaluated: 2018-01-13. Review status: criteria provided, single submitter. Criteria: ICSL Variant Classification Criteria 13 December 2019. Collection method: clinical testing. Allele origin: germline.
Comment: the same text as in the submission from Illumina Laboratory Services, Illumina above.

Breakthrough Genomics
Classification: Likely benign. Review status: criteria provided, single submitter. Criteria: ACMG Guidelines, 2015. Collection method: not provided. Allele origin: germline. Inheritance: Autosomal recessive inheritance. Affected: yes.